The following is an entry in ClinVar:

NM_022095.4(ZNF335):c.2170T>G (p.Phe724Val)

Gene: ZNF335 (zinc finger protein 335; minus strand). Cytogenetic location: 20q13.12.
Variant type: single nucleotide variant.
Coding change: c.2170T>G on transcript NM_022095.4 (MANE Select); coding-DNA position 2170, T replaced by G.
Protein change: p.Phe724Val; replaces phenylalanine 724 with valine.
Molecular consequence: missense variant.
Genome position (GRCh38, 1-based): chr20:45,959,284, A>C on the plus strand (T>G on the coding strand, the complement: ZNF335 is on the minus strand). VCF-style: chr20-45959284-A-C. GRCh37 (hg19) VCF-style: chr20-44587923-A-C.
Other names: short protein forms F724V.
Identifiers: ClinVar variation 1897920 (VCV001897920.5), dbSNP rs146141478, ClinGen allele CA9885456.

ClinVar aggregate classification (germline): Uncertain significance (1 of 4 stars; one submission).

Allele frequency attached by ClinVar (database versions not stated): TOPMed below 0.00001; gnomAD 0.00001; gnomAD exomes 0.00001; ExAC 0.00006; ESP Exome Variant Server 0.00015.
gnomAD v4.1: 15 of 1,551,780 alleles (0.00097%); highest among the groups gnomAD compares: Non-Finnish European, 0.0013%; no homozygotes.

Submission:

Labcorp Genetics (formerly Invitae), Labcorp
Classification: Uncertain significance. Last evaluated: 2022-05-20. Review status: criteria provided, single submitter. Criteria: Invitae Variant Classification Sherloc (09022015). Collection method: clinical testing. Allele origin: germline.
Comment: In summary, the available evidence is currently insufficient to determine the role of this variant in disease. Therefore, it has been classified as a Variant of Uncertain Significance. Algorithms developed to predict the effect of sequence changes on RNA splicing suggest that this variant may disrupt the consensus splice site. Algorithms developed to predict the effect of missense changes on protein structure and function (SIFT, PolyPhen-2, Align-GVGD) all suggest that this variant is likely to be disruptive. This variant has not been reported in the literature in individuals affected with ZNF335-related conditions. This variant is present in population databases (rs146141478, gnomAD 0.007%). This sequence change replaces phenylalanine, which is neutral and non-polar, with valine, which is neutral and non-polar, at codon 724 of the ZNF335 protein (p.Phe724Val).